The following is an entry in ClinVar:

NM_006899.5(IDH3B):c.628C>T (p.Arg210Trp)

Gene: IDH3B (isocitrate dehydrogenase (NAD(+)) 3 non-catalytic subunit beta; minus strand). Cytogenetic location: 20p13.
Variant type: single nucleotide variant.
Coding change: c.628C>T on transcript NM_006899.5 (MANE Select); coding-DNA position 628, C replaced by T.
Protein change: p.Arg210Trp; replaces arginine 210 with tryptophan.
Molecular consequence: missense variant. On other transcripts: non-coding transcript variant (1).
Genome position (GRCh38, 1-based): chr20:2,660,494, G>A on the plus strand (C>T on the coding strand, the complement: IDH3B is on the minus strand). VCF-style: chr20-2660494-G-A. GRCh37 (hg19) VCF-style: chr20-2641140-G-A.
Other names: c.628C>T, p.Arg210Trp (NM_001258384.3, NM_001330763.2, NM_174855.4); short protein forms R210W.
Identifiers: ClinVar variation 3020930 (VCV003020930.3), dbSNP rs527817401, ClinGen allele CA9735229.

ClinVar aggregate classification (germline): Uncertain significance. Review status: criteria provided, multiple submitters, no conflicts (2 of 4 stars). 2 submissions from 2 submitters: Uncertain significance (2). Last evaluated 2024-08-22.

Allele frequency attached by ClinVar (database versions not stated): TOPMed 0.00001; ExAC 0.00002; gnomAD 0.00003; 1000 Genomes Project 30x 0.00016; 1000 Genomes Project 0.00020.
gnomAD v4.1: 16 of 1,614,004 alleles (0.00099%); highest among the groups gnomAD compares: African/African-American, 0.004%; no homozygotes.

Submissions (2):

Blueprint Genetics
Classification: Uncertain significance. Last evaluated: 2024-08-22. Review status: criteria provided, single submitter. Criteria: ACMG Guidelines, 2015. Collection method: clinical testing. Allele origin: germline.

Labcorp Genetics (formerly Invitae), Labcorp
Classification: Uncertain significance. Last evaluated: 2023-09-08. Review status: criteria provided, single submitter. Criteria: Invitae Variant Classification Sherloc (09022015). Collection method: clinical testing. Allele origin: germline.
Comment: This sequence change replaces arginine, which is basic and polar, with tryptophan, which is neutral and slightly polar, at codon 210 of the IDH3B protein (p.Arg210Trp). This variant is present in population databases (rs527817401, gnomAD 0.02%). This variant has not been reported in the literature in individuals affected with IDH3B-related conditions. Advanced modeling of protein sequence and biophysical properties (such as structural, functional, and spatial information, amino acid conservation, physicochemical variation, residue mobility, and thermodynamic stability) performed at Invitae indicates that this missense variant is expected to disrupt IDH3B protein function. In summary, the available evidence is currently insufficient to determine the role of this variant in disease. Therefore, it has been classified as a Variant of Uncertain Significance.